The following is an entry in ClinVar:

NM_001127222.2(CACNA1A):c.5771A>C (p.Lys1924Thr)

Gene: CACNA1A (calcium voltage-gated channel subunit alpha1 A; minus strand). Cytogenetic location: 19p13.13.
Variant type: single nucleotide variant.
Coding change: c.5771A>C on transcript NM_001127222.2 (MANE Select); coding-DNA position 5771, A replaced by C.
Protein change: p.Lys1924Thr; replaces lysine 1924 with threonine.
Molecular consequence: missense variant.
Genome position (GRCh38, 1-based): chr19:13,214,569, T>G on the plus strand (A>C on the coding strand, the complement: CACNA1A is on the minus strand). VCF-style: chr19-13214569-T-G. GRCh37 (hg19) VCF-style: chr19-13325383-T-G.
Other names: c.5789A>C, p.Lys1930Thr (NM_000068.4, NM_023035.3); c.5774A>C, p.Lys1925Thr (NM_001127221.2); c.5780A>C, p.Lys1927Thr (NM_001174080.2); short protein forms K1924T, K1925T, K1927T, K1930T.
Identifiers: ClinVar variation 1410198 (VCV001410198.8), dbSNP rs1181667215, ClinGen allele CA404334543.

ClinVar aggregate classification (germline): Uncertain significance (1 of 4 stars; one submission).

Conditions:
Episodic ataxia type 2 (EA2). Also called: ATAXIA, EPISODIC, WITH NYSTAGMUS; ATAXIA, FAMILIAL PAROXYSMAL; CEREBELLAR ATAXIA, PAROXYSMAL, ACETAZOLAMIDE-RESPONSIVE; CEREBELLOPATHY, HEREDITARY PAROXYSMAL; EPISODIC ATAXIA, NYSTAGMUS-ASSOCIATED; ACETAZOLAMIDE-RESPONSIVE HEREDITARY PAROXYSMAL CEREBELLAR ATAXIA. Identifiers: Orphanet 97, MedGen C1720416, MONDO:0007163, OMIM 108500.
Developmental and epileptic encephalopathy, 42 (DEE42A). Also called: Epileptic encephalopathy, early infantile, 42; DEVELOPMENTAL AND EPILEPTIC ENCEPHALOPATHY 42A; EPILEPTIC ENCEPHALOPATHY, EARLY INFANTILE, 42A. Identifiers: MedGen C4310716, MONDO:0014917, OMIM 617106.

Submission:

Labcorp Genetics (formerly Invitae), Labcorp
Classification: Uncertain significance for Developmental and epileptic encephalopathy, 42; Episodic ataxia type 2. Last evaluated: 2022-07-19. Review status: criteria provided, single submitter. Criteria: Invitae Variant Classification Sherloc (09022015). Collection method: clinical testing. Allele origin: germline.
Comment: In summary, the available evidence is currently insufficient to determine the role of this variant in disease. Therefore, it has been classified as a Variant of Uncertain Significance. Advanced modeling of protein sequence and biophysical properties (such as structural, functional, and spatial information, amino acid conservation, physicochemical variation, residue mobility, and thermodynamic stability) performed at Invitae indicates that this missense variant is not expected to disrupt CACNA1A protein function. ClinVar contains an entry for this variant (Variation ID: 1410198). This variant has not been reported in the literature in individuals affected with CACNA1A-related conditions. This variant is not present in population databases (gnomAD no frequency). This sequence change replaces lysine, which is basic and polar, with threonine, which is neutral and polar, at codon 1925 of the CACNA1A protein (p.Lys1925Thr).